The following is an entry in ClinVar:

NM_144585.4(SLC22A12):c.842_843del (p.Glu281fs)

Gene: SLC22A12 (solute carrier family 22 member 12; plus strand). Cytogenetic location: 11q13.1.
Variant type: Microsatellite.
Coding change: c.842_843del on transcript NM_144585.4 (MANE Select); coding-DNA positions 842 to 843, 2 bases deleted (AG; older notation c.842_843delAG).
Protein change: p.Glu281fs; shifts the reading frame from glutamic acid 281.
Molecular consequence: frameshift variant.
Genome position (GRCh38, 1-based): chr11:64,598,527-64,598,528, AG deleted; deleting any 2 consecutive bases within chr11:64,598,525-64,598,528 gives the same sequence; the c. name uses the placement nearest the transcript's 3' end. VCF-style (leftmost placement, unchanged base first): chr11-64598524-CAG-C. GRCh37 (hg19) VCF-style: chr11-64365996-CAG-C.
Other names: c.740_741del, p.Glu247fs (NM_001276326.2); c.518_519del, p.Glu173fs (NM_001276327.2); c.179_180del, p.Glu60fs (NM_153378.3); short protein forms E173fs, E281fs, E247fs, E60fs.
Identifiers: ClinVar variation 4987200 (VCV004987200.1).

ClinVar aggregate classification (germline): Likely pathogenic (1 of 4 stars; one submission).

Conditions:
SLC22A12-related disorder. Also called: SLC22A12-related condition.

Submission:

PreventionGenetics, part of Exact Sciences
Classification: Likely pathogenic for SLC22A12-related condition. Last evaluated: 2025-03-20. Review status: criteria provided, single submitter. Criteria: ACMG Guidelines, 2015. Collection method: clinical testing. Allele origin: germline.
Comment: The SLC22A12 c.842_843delAG variant is predicted to result in a frameshift and premature protein termination (p.Glu281Valfs*37). To our knowledge, this variant has not been reported in the literature or in a large population database (gnomAD), indicating this variant is rare. Frameshift variants in SLC22A12 are expected to be pathogenic. This variant is interpreted as likely pathogenic.